The following is an entry in ClinVar:

ClinVar aggregate classification (germline): Pathogenic/Likely pathogenic. Review status: criteria provided, multiple submitters, no conflicts (2 of 4 stars). 2 submissions from 2 submitters: Pathogenic (1); Likely pathogenic (1). Last evaluated 2024-03-24.

Conditions:
Hermansky-Pudlak syndrome 3 (HPS3). Identifiers: Orphanet 231512, Orphanet 79430, MedGen C3888001, MONDO:0013555, OMIM 614072.

Submissions (2):

Baylor Genetics
Classification: Likely pathogenic for Hermansky-Pudlak syndrome 3. Last evaluated: 2024-03-24. Review status: criteria provided, single submitter. Criteria: ACMG Guidelines, 2015. Collection method: clinical testing. Allele origin: unknown.

Labcorp Genetics (formerly Invitae), Labcorp
Classification: Pathogenic. Last evaluated: 2022-10-23. Review status: criteria provided, single submitter. Criteria: Invitae Variant Classification Sherloc (09022015). Collection method: clinical testing. Allele origin: germline.
Comment: This sequence change creates a premature translational stop signal (p.Arg30Leufs*42) in the HPS3 gene. It is expected to result in an absent or disrupted protein product. Loss-of-function variants in HPS3 are known to be pathogenic (PMID: 11590544). This variant is not present in population databases (gnomAD no frequency). For these reasons, this variant has been classified as Pathogenic. This variant has not been reported in the literature in individuals affected with HPS3-related conditions.

Literature cited by the submitters: PubMed 11590544 (cited by Labcorp Genetics (formerly Invitae), Labcorp).

NM_032383.5(HPS3):c.84_109del (p.Arg30fs)

Gene: HPS3 (HPS3 biogenesis of lysosomal organelles complex 2 subunit 1; plus strand). Cytogenetic location: 3q24.
Variant type: Deletion.
Coding change: c.84_109del on transcript NM_032383.5 (MANE Select); coding-DNA positions 84 to 109, 26 bases deleted (GGGGCGTGACGCGCTTTTCGTGGCGG).
Protein change: p.Arg30fs; shifts the reading frame from arginine 30.
Molecular consequence: frameshift variant.
Genome position (GRCh38, 1-based): chr3:149,129,807-149,129,832, GGGGCGTGACGCGCTTTTCGTGGCGG deleted; deleting any 26 consecutive bases within chr3:149,129,800-149,129,832 gives the same sequence; the c. name uses the placement nearest the transcript's 3' end. VCF-style (leftmost placement, unchanged base first): chr3-149129799-TGTGGCGGGGGGCGTGACGCGCTTTTC-T. GRCh37 (hg19) VCF-style: chr3-148847586-TGTGGCGGGGGGCGTGACGCGCTTTTC-T.
Other names: c.84_109del, p.Arg30fs (NM_001308258.2); short protein forms R30fs.
Identifiers: ClinVar variation 2036576 (VCV002036576.5), dbSNP rs2473044980, ClinGen allele CA2580068915.
Genomic context (GRCh38, chr3:149,129,799, plus strand): 5'-AACCTGCACCCGTTCGGGTCGCAGCAGGTGGTGCCCTGCAAGCTGGAGCCGGACCGGTTC[TGTGGCGGGGGGCGTGACGCGCTTTTC>T]GTGGCGGCGGGCTGCAAGGTGGAGGCGTTCGCGGTGGCCGGCCAGGAGCTGTGCCAGCCG-3'